The following is an entry in ClinVar:

NM_007294.4(BRCA1):c.2131A>C (p.Lys711Gln)

Gene: BRCA1 (BRCA1 DNA repair associated; minus strand). Cytogenetic location: 17q21.31.
Variant type: single nucleotide variant.
Coding change: c.2131A>C on transcript NM_007294.4 (MANE Select); coding-DNA position 2131, A replaced by C.
Protein change: p.Lys711Gln; replaces lysine 711 with glutamine.
Molecular consequence: missense variant. On other transcripts: intron variant (137).
Genome position (GRCh38, 1-based): chr17:43,093,400, T>G on the plus strand (A>C on the coding strand, the complement: BRCA1 is on the minus strand). VCF-style: chr17-43093400-T-G. GRCh37 (hg19) VCF-style: chr17-41245417-T-G.
Other names: c.2131A>C, p.Lys711Gln (NM_001407594.1, NM_001407596.1, NM_001407597.1 and 30 more transcripts); c.2128A>C, p.Lys710Gln (NM_001407610.1, NM_001407611.1, NM_001407612.1 and 22 more transcripts); c.1918A>C, p.Lys640Gln (NM_001407571.1, NM_001407915.1, NM_001407916.1 and 9 more transcripts); c.2053A>C, p.Lys685Gln (NM_001407654.1, NM_001407655.1, NM_001407656.1 and 4 more transcripts); c.2050A>C, p.Lys684Gln (NM_001407659.1, NM_001407660.1, NM_001407661.1 and 1 more transcripts); c.2005A>C, p.Lys669Gln (NM_001407673.1, NM_001407649.1, NM_001407670.1 and 11 more transcripts); c.2008A>C, p.Lys670Gln (NM_001407674.1, NM_001407675.1, NM_001407676.1 and 19 more transcripts); c.1990A>C, p.Lys664Gln (NM_001407692.1, NM_001407694.1, NM_001407695.1 and 29 more transcripts); and 41 more; short protein forms K711Q, K664Q, K543Q, K584Q, K641Q, K583Q, K623Q, K643Q.
Identifiers: ClinVar variation 409331 (VCV000409331.13), dbSNP rs747046197, ClinGen allele CA10597744.

ClinVar aggregate classification (germline): Conflicting classifications of pathogenicity. Review status: criteria provided, conflicting classifications (1 of 4 stars). 3 submissions from 3 submitters: Uncertain significance (2); Likely benign (1). Last evaluated 2026-08-23.

Conditions:
Hereditary breast ovarian cancer syndrome. Also called: Hereditary breast and ovarian cancer syndrome (HBOC); Hereditary breast and ovarian cancer syndrome; Breast and ovarian cancer; BRCA1- and BRCA2-Associated Hereditary Breast and Ovarian Cancer; Hereditary breast and ovarian cancer; Hereditary breast and/or ovarian cancer syndrome. Identifiers: Orphanet 145, MedGen C0677776, MeSH D061325, MONDO:0003582. Disease mechanism: loss of function.
Hereditary cancer-predisposing syndrome. Also called: Neoplastic Syndromes, Hereditary; Hereditary Cancer Syndrome; Tumor predisposition; Hereditary neoplastic syndrome. Identifiers: Orphanet 140162, MedGen C0027672, MeSH D009386, MONDO:0015356.

Allele frequency attached by ClinVar (database versions not stated): TOPMed 0.00001.

Submissions (3):

Ambry Genetics
Classification: Uncertain significance for Hereditary cancer-predisposing syndrome. Last evaluated: 2026-08-23. Review status: criteria provided, single submitter. Criteria: Ambry Variant Classification Scheme 2023. Collection method: clinical testing. Allele origin: germline.
Comment: The p.K711Q variant (also known as c.2131A>C), located in coding exon 9 of the BRCA1 gene, results from an A to C substitution at nucleotide position 2131. The lysine at codon 711 is replaced by glutamine, an amino acid with similar properties. This amino acid position is poorly conserved in available vertebrate species. In addition, the in silico prediction for this alteration is inconclusive. Based on the available evidence, the clinical significance of this variant remains unclear.

Labcorp Genetics (formerly Invitae), Labcorp
Classification: Uncertain significance for Hereditary breast ovarian cancer syndrome. Last evaluated: 2025-06-15. Review status: criteria provided, single submitter. Criteria: Invitae Variant Classification Sherloc (09022015). Collection method: clinical testing. Allele origin: germline.
Comment: This sequence change replaces lysine, which is basic and polar, with glutamine, which is neutral and polar, at codon 711 of the BRCA1 protein (p.Lys711Gln). This variant is not present in population databases (gnomAD no frequency). This variant has not been reported in the literature in individuals affected with BRCA1-related conditions. ClinVar contains an entry for this variant (Variation ID: 409331). Invitae Evidence Modeling of protein sequence and biophysical properties (such as structural, functional, and spatial information, amino acid conservation, physicochemical variation, residue mobility, and thermodynamic stability) indicates that this missense variant is not expected to disrupt BRCA1 protein function with a negative predictive value of 80%. In summary, the available evidence is currently insufficient to determine the role of this variant in disease. Therefore, it has been classified as a Variant of Uncertain Significance.

University of Washington Department of Laboratory Medicine, University of Washington
Classification: Likely benign for Hereditary cancer-predisposing syndrome. Last evaluated: 2023-03-23. Review status: criteria provided, single submitter. Criteria: Dines et al. (Genet Med. 2020). Collection method: curation. Allele origin: germline.
Comment: Missense variant in a coldspot region where missense variants are very unlikely to be pathogenic (PMID:31911673).

BRCA1 coldspot (exon 11 using historical exon numbering). Reclassification based on statistical prior probability